The following is an entry in ClinVar:

NM_004519.4(KCNQ3):c.225C>G (p.Asp75Glu)

Gene: KCNQ3 (potassium voltage-gated channel subfamily Q member 3; minus strand). Cytogenetic location: 8q24.22.
Variant type: single nucleotide variant.
Coding change: c.225C>G on transcript NM_004519.4 (MANE Select); coding-DNA position 225, C replaced by G.
Protein change: p.Asp75Glu; replaces aspartic acid 75 with glutamic acid.
Molecular consequence: missense variant.
Genome position (GRCh38, 1-based): chr8:132,480,308, G>C on the plus strand (C>G on the coding strand, the complement: KCNQ3 is on the minus strand). VCF-style: chr8-132480308-G-C. GRCh37 (hg19) VCF-style: chr8-133492555-G-C.
Other names: p.D75E:GAC>GAG; short protein forms D75E.
Identifiers: ClinVar variation 205957 (VCV000205957.18), dbSNP rs138254004, ClinGen allele CA315582.

ClinVar aggregate classification (germline): Likely benign. Review status: criteria provided, multiple submitters, no conflicts (2 of 4 stars). 5 submissions from 5 submitters: Likely benign (5). Last evaluated 2025-10-16.

Conditions:
Inborn genetic diseases. Identifiers: MedGen C0950123, MeSH D030342.
Benign neonatal seizures. Also called: Benign familial neonatal seizures; Benign neonatal familial convulsions; Convulsions benign familial neonatal dominant form; Autosomal dominant form of benign neonatal seizures; Benign familial neonatal epilepsy. Identifiers: Orphanet 1949, MedGen C0220669, MONDO:0016027.

Allele frequency attached by ClinVar (database versions not stated): gnomAD 0.00029; ESP Exome Variant Server 0.00046; TOPMed 0.00028; 1000 Genomes Project 30x 0.00031.
gnomAD v4.1: 572 of 1,602,602 alleles (0.036%); highest among the groups gnomAD compares: Non-Finnish European, 0.045%; no homozygotes.

Submissions (5):

Labcorp Genetics (formerly Invitae), Labcorp
Classification: Likely benign for Benign neonatal seizures. Last evaluated: 2025-10-16. Review status: criteria provided, single submitter. Criteria: Invitae Variant Classification Sherloc (09022015). Collection method: clinical testing. Allele origin: germline.

Blueprint Genetics
Classification: Likely benign. Last evaluated: 2024-10-17. Review status: criteria provided, single submitter. Criteria: ACMG Guidelines, 2015. Collection method: clinical testing. Allele origin: germline.

Ambry Genetics
Classification: Likely benign for Inborn genetic diseases. Last evaluated: 2017-12-29. Review status: criteria provided, single submitter. Criteria: Ambry Variant Classification Scheme 2023. Collection method: clinical testing. Allele origin: germline.

GeneDx
Classification: Likely benign. Last evaluated: 2017-04-28. Review status: criteria provided, single submitter. Criteria: GeneDx Variant Classification (06012015). Collection method: clinical testing. Allele origin: germline. Affected: yes.
Comment: This variant is considered likely benign or benign based on one or more of the following criteria: it is a conservative change, it occurs at a poorly conserved position in the protein, it is predicted to be benign by multiple in silico algorithms, and/or has population frequency not consistent with disease.

Breakthrough Genomics
Classification: Likely benign. Review status: criteria provided, single submitter. Criteria: ACMG Guidelines, 2015. Collection method: not provided. Allele origin: germline. Inheritance: Autosomal dominant inheritance. Affected: yes.